The following is an entry in ClinVar:

ClinVar aggregate classification (germline): Pathogenic. Review status: criteria provided, multiple submitters, no conflicts (2 of 4 stars). 2 submissions from 2 submitters: Pathogenic (2). Last evaluated 2026-03-27.

Conditions:
Tumor predisposition syndrome 2 (TPDS2). Also called: MBD4-Related Tumor Predisposition Syndrome; MBD4-associated neoplasia syndrome (MANS); MBD4-ASSOCIATED NEOPLASIA SYNDROME. Identifiers: Orphanet 661526, MedGen C5774186, MONDO:0859267, OMIM 619975.

Submissions (2):

Myriad Genetics, Inc.
Classification: Pathogenic for Tumor predisposition syndrome 2. Last evaluated: 2026-03-27. Review status: criteria provided, single submitter. Criteria: Myriad Autosomal Dominant, Autosomal Recessive and X-Linked Classification Criteria (2023). Collection method: clinical testing. Allele origin: unknown.
Comment: This variant is considered pathogenic. This variant creates a frameshift predicted to result in premature protein truncation.

Labcorp Genetics (formerly Invitae), Labcorp
Classification: Pathogenic. Last evaluated: 2025-12-18. Review status: criteria provided, single submitter. Criteria: Invitae Variant Classification Sherloc (09022015). Collection method: clinical testing. Allele origin: germline.
Comment: This sequence change creates a premature translational stop signal (p.Tyr127Ilefs*37) in the MBD4 gene. It is expected to result in an absent or disrupted protein product. Loss-of-function variants in MBD4 are known to be pathogenic (PMID: 30049810, 35460607). This variant is not present in population databases (gnomAD no frequency). This variant has not been reported in the literature in individuals affected with MBD4-related conditions. ClinVar contains an entry for this variant (Variation ID: 3686811). For these reasons, this variant has been classified as Pathogenic.

Literature cited by the submitters: PubMed 30049810 (cited by Labcorp Genetics (formerly Invitae), Labcorp); PubMed 35460607 (cited by Labcorp Genetics (formerly Invitae), Labcorp).

NM_001276270.2(MBD4):c.379del (p.Tyr127fs)

Gene: MBD4 (methyl-CpG binding domain 4, DNA glycosylase; minus strand). Cytogenetic location: 3q21.3.
Variant type: Deletion.
Coding change: c.379del on transcript NM_001276270.2 (MANE Select); coding-DNA position 379, one base deleted (T; older notation c.379delT).
Protein change: p.Tyr127fs; shifts the reading frame from tyrosine 127.
Molecular consequence: frameshift variant. On other transcripts: intron variant (1).
Genome position (GRCh38, 1-based): chr3:129,437,265, A deleted on the plus strand (T on the coding strand, the reverse complement: MBD4 is on the minus strand); the first of 2 consecutive A bases (chr3:129,437,265-129,437,266); deleting either gives the same sequence. VCF-style (leftmost placement, unchanged base first): chr3-129437264-TA-T. GRCh37 (hg19) VCF-style: chr3-129156107-TA-T.
Other names: c.379del, p.Tyr127fs (NM_001276271.2, NM_001276272.2, NM_003925.3); c.247+543del (NM_001276273.2); short protein forms Y127fs.
Identifiers: ClinVar variation 3686811 (VCV003686811.3).